The following is an entry in ClinVar:

ClinVar aggregate classification (germline): Uncertain significance (1 of 4 stars; one submission).

Allele frequency attached by ClinVar (database versions not stated): gnomAD exomes below 0.00001.
gnomAD v4.1: 2 of 1,614,050 alleles (0.00012%); highest among the groups gnomAD compares: Non-Finnish European, 0.00017%; no homozygotes.

Submission:

Labcorp Genetics (formerly Invitae), Labcorp
Classification: Uncertain significance. Last evaluated: 2023-05-22. Review status: criteria provided, single submitter. Criteria: Invitae Variant Classification Sherloc (09022015). Collection method: clinical testing. Allele origin: germline.
Comment: In summary, the available evidence is currently insufficient to determine the role of this variant in disease. Therefore, it has been classified as a Variant of Uncertain Significance. Algorithms developed to predict the effect of missense changes on protein structure and function output the following: SIFT: "Not Available"; PolyPhen-2: "Benign"; Align-GVGD: "Not Available". The threonine amino acid residue is found in multiple mammalian species, which suggests that this missense change does not adversely affect protein function. This variant has not been reported in the literature in individuals affected with ALPK3-related conditions. This variant is not present in population databases (gnomAD no frequency). This sequence change replaces alanine, which is neutral and non-polar, with threonine, which is neutral and polar, at codon 888 of the ALPK3 protein (p.Ala888Thr).

NM_020778.5(ALPK3):c.2056G>A (p.Ala686Thr)

Gene: ALPK3 (alpha kinase 3; plus strand). Cytogenetic location: 15q25.3.
Variant type: single nucleotide variant.
Coding change: c.2056G>A on transcript NM_020778.5 (MANE Select); coding-DNA position 2056, G replaced by A.
Protein change: p.Ala686Thr; replaces alanine 686 with threonine.
Molecular consequence: missense variant.
Genome position (GRCh38, 1-based): chr15:84,856,794, G>A. VCF-style: chr15-84856794-G-A. GRCh37 (hg19) VCF-style: chr15-85400025-G-A.
Other names: short protein forms A686T.
Identifiers: ClinVar variation 2976435 (VCV002976435.3), dbSNP rs1366851951, ClinGen allele CA393355758.